The following is an entry in ClinVar:

NM_001148.6(ANK2):c.7488A>G (p.Thr2496=)

Genes: ANK2 (ankyrin 2; plus strand), LOC126807137 (CDK7 strongly-dependent group 2 enhancer GRCh37_chr4:114276560-114277759; plus strand). Cytogenetic location: 4q26.
Variant type: single nucleotide variant.
Coding change: c.7488A>G on transcript NM_001148.6 (MANE Select); coding-DNA position 7488, A replaced by G.
Protein change: p.Thr2496=; no amino-acid change (threonine 2496 retained).
Molecular consequence: synonymous variant. On other transcripts: intron variant (68).
Genome position (GRCh38, 1-based): chr4:113,356,106, A>G. VCF-style: chr4-113356106-A-G. GRCh37 (hg19) VCF-style: chr4-114277262-A-G.
Other names: c.7254A>G, p.Thr2418= (NM_001386142.1); c.3888A>G, p.Thr1296= (NM_001386166.1); c.7629A>G, p.Thr2543= (NM_001386174.1); c.7605A>G, p.Thr2535= (NM_001386175.1); c.4412-4717A>G (NM_001386186.2, NM_001386148.2); c.4214-4717A>G (NM_001354269.3); c.4292-4717A>G (NM_001386187.2); c.4253-4717A>G (NM_001386147.1); and 35 more.
Identifiers: ClinVar variation 238589 (VCV000238589.54), dbSNP rs143161930, ClinGen allele CA3051594.

ClinVar aggregate classification (germline): Benign/Likely benign. Review status: criteria provided, multiple submitters, no conflicts (2 of 4 stars). 13 submissions from 13 submitters: Benign (5); Likely benign (4). 4 of the submissions do not count toward it. Last evaluated 2026-01-26.

Conditions:
Cardiovascular phenotype. Identifiers: MedGen CN230736.
Long QT syndrome (LQTS). Identifiers: MedGen C0023976, MeSH D008133, MONDO:0002442. Disease mechanism: loss of function. Inheritance: Various modes of inheritance.
ANK2-related disorder. Also called: ANK2-related condition.
Cardiac arrhythmia, ankyrin-B-related. Also called: ANKYRIN-B SYNDROME. Identifiers: Orphanet 101016, Orphanet 768, MedGen C1970119, MONDO:0010958, OMIM 600919.

Allele frequency attached by ClinVar (database versions not stated): ESP Exome Variant Server 0.00023; gnomAD 0.00031 and 0.00041; gnomAD exomes 0.00036 and 0.00067; TOPMed 0.00040; 1000 Genomes Project 0.00060; ExAC 0.00074; 1000 Genomes Project 30x 0.00078.
gnomAD v4.1: 613 of 1,614,162 alleles (0.038%); highest among the groups gnomAD compares: South Asian, 0.4%; 7 homozygotes.

Submissions (13):

Labcorp Genetics (formerly Invitae), Labcorp
Classification: Benign for Long QT syndrome. Last evaluated: 2026-01-26. Review status: criteria provided, single submitter. Criteria: Invitae Variant Classification Sherloc (09022015). Collection method: clinical testing. Allele origin: germline.

Blueprint Genetics
Classification: Benign. Last evaluated: 2024-10-21. Review status: criteria provided, single submitter. Criteria: ACMG Guidelines, 2015. Collection method: clinical testing. Allele origin: germline.

CeGaT Center for Human Genetics Tuebingen
Classification: Likely benign. Last evaluated: 2023-02-01. Review status: criteria provided, single submitter. Criteria: CeGaT Center For Human Genetics Tuebingen Variant Classification Criteria Version 2. Collection method: clinical testing. Allele origin: germline. Affected: yes. Observed: 1 variant allele.
Comment: ANK2: BP4, BP7

Genome-Nilou Lab
Classification: Benign for Cardiac arrhythmia, ankyrin-B-related. Last evaluated: 2021-12-05. Review status: criteria provided, single submitter. Criteria: ACMG Guidelines, 2015. Collection method: clinical testing. Allele origin: germline. Affected: no.

GeneDx
Classification: Likely benign. Last evaluated: 2021-04-07. Review status: criteria provided, single submitter. Criteria: GeneDx Variant Classification Process June 2021. Collection method: clinical testing. Allele origin: germline. Affected: yes.

Ambry Genetics
Classification: Likely benign for Cardiovascular phenotype. Last evaluated: 2018-06-13. Review status: criteria provided, single submitter. Criteria: Ambry Variant Classification Scheme 2023. Collection method: clinical testing. Allele origin: germline.

ARUP Laboratories, Molecular Genetics and Genomics, ARUP Laboratories
Classification: Benign. Last evaluated: 2018-05-15. Review status: criteria provided, single submitter. Criteria: ARUP Molecular Germline Variant Investigation Process. Collection method: clinical testing. Allele origin: germline.

Women's Health and Genetics/Laboratory Corporation of America, LabCorp
Classification: Benign. Last evaluated: 2018-03-26. Review status: criteria provided, single submitter. Criteria: LabCorp Variant Classification Summary - May 2015. Collection method: clinical testing. Allele origin: germline.
Comment: Variant summary: ANK2 c.7488A>G alters a non-conserved nucleotide resulting in a synonymous change. The variant allele was found at a frequency of 0.0006 in 276162 control chromosomes, predominantly observed within the South Asian subpopulation at a frequency of 0.0041, including 3 homozygotes (in the gnomAD database). The observed variant frequency within South Asian control individuals in the gnomAD database is approximately 410 fold of the estimated maximal expected allele frequency for a pathogenic variant in ANK2 causing Arrhythmia phenotype (1e-05), strongly suggesting that the variant is a benign polymorphism found primarily in populations of South Asian origin. To our knowledge, no occurrence of c.7488A>G in individuals affected with Arrhythmia and no experimental evidence demonstrating its impact on protein function have been reported. Two clinical diagnostic laboratories have submitted clinical-significance assessments for this variant to ClinVar after 2014 without evidence for independent evaluation. One laboratory classified the variant as benign, and the other laboratory classified the variant as uncertain significance. Based on the evidence outlined above, the variant was classified as benign.

Illumina Laboratory Services, Illumina
Classification: Likely benign for Cardiac arrhythmia, ankyrin-B-related. Last evaluated: 2018-01-12. Review status: criteria provided, single submitter. Criteria: ICSL Variant Classification Criteria 13 December 2019. Collection method: clinical testing. Allele origin: germline.
Comment: This variant was observed in the ICSL laboratory as part of a predisposition screen in an ostensibly healthy population. It had not been previously curated by ICSL or reported in the Human Gene Mutation Database (HGMD: prior to June 1st, 2018), and was therefore a candidate for classification through an automated scoring system. Utilizing variant allele frequency, disease prevalence and penetrance estimates, and inheritance mode, an automated score was calculated to assess if this variant is too frequent to cause the disease. Based on the score and internal cut-off values, a variant classified as likely benign is not then subjected to further curation. The score for this variant resulted in a classification of likely benign for this disease.

PreventionGenetics, part of Exact Sciences
Classification: Benign for ANK2-related condition. Last evaluated: 2021-10-27. Review status: no assertion criteria provided. Collection method: clinical testing. Allele origin: germline. Not counted in ClinVar's aggregate classification.
Comment: This variant is classified as benign based on ACMG/AMP sequence variant interpretation guidelines (Richards et al. 2015 PMID: 25741868, with internal and published modifications).

Clinical Genetics, Academic Medical Center
Classification: Benign. Review status: no assertion criteria provided. Collection method: clinical testing. Allele origin: germline. Affected: yes. Study: VKGL Data-share Consensus. Not counted in ClinVar's aggregate classification.

Genome Diagnostics Laboratory, University Medical Center Utrecht
Classification: Likely benign. Review status: no assertion criteria provided. Collection method: clinical testing. Allele origin: germline. Affected: yes. Study: VKGL Data-share Consensus. Not counted in ClinVar's aggregate classification.

Joint Genome Diagnostic Labs from Nijmegen and Maastricht, Radboudumc and MUMC+
Classification: Likely benign. Review status: no assertion criteria provided. Collection method: clinical testing. Allele origin: germline. Affected: yes. Study: VKGL Data-share Consensus. Not counted in ClinVar's aggregate classification.